The following is an entry in ClinVar:

NM_000229.2(LCAT):c.1274G>T (p.Gly425Val)

Gene: LCAT (lecithin-cholesterol acyltransferase; minus strand). Cytogenetic location: 16q22.1.
Variant type: single nucleotide variant.
Coding change: c.1274G>T on transcript NM_000229.2 (MANE Select); coding-DNA position 1274, G replaced by T.
Protein change: p.Gly425Val; replaces glycine 425 with valine.
Molecular consequence: missense variant.
Genome position (GRCh38, 1-based): chr16:67,939,953, C>A on the plus strand (G>T on the coding strand, the complement: LCAT is on the minus strand). VCF-style: chr16-67939953-C-A. GRCh37 (hg19) VCF-style: chr16-67973856-C-A.
Other names: short protein forms G425V.
Identifiers: ClinVar variation 4096839 (VCV004096839.1).

ClinVar aggregate classification (germline): Uncertain significance (1 of 4 stars; one submission).

Conditions:
Cardiovascular phenotype. Identifiers: MedGen CN230736.

Submission:

Ambry Genetics
Classification: Uncertain significance for Cardiovascular phenotype. Last evaluated: 2025-08-06. Review status: criteria provided, single submitter. Criteria: Ambry Variant Classification Scheme 2023. Collection method: clinical testing. Allele origin: germline.
Comment: The p.G425V variant (also known as c.1274G>T), located in coding exon 6 of the LCAT gene, results from a G to T substitution at nucleotide position 1274. The glycine at codon 425 is replaced by valine, an amino acid with dissimilar properties. This amino acid position is conserved. In addition, this alteration is predicted to be tolerated by in silico analysis. Based on the available evidence, the clinical significance of this variant remains unclear.